The following is an entry in ClinVar:

ClinVar aggregate classification (germline): Likely pathogenic (1 of 4 stars; one submission).

Conditions:
Methylcobalamin deficiency type cblG (HMAG). Also called: HOMOCYSTINURIA-MEGALOBLASTIC ANEMIA, cblG TYPE; HOMOCYSTINURIA-MEGALOBLASTIC ANEMIA DUE TO DEFECT IN COBALAMIN METABOLISM, cblG COMPLEMENTATION TYPE; HOMOCYSTINURIA-MEGALOBLASTIC ANEMIA, cblG COMPLEMENTATION TYPE; Functional methionine synthase deficiency type cblG. Identifiers: Orphanet 2170, Orphanet 622, MedGen C1855128, MONDO:0009609, OMIM 250940.

Allele frequency attached by ClinVar (database versions not stated): ExAC 0.00001; TOPMed 0.00002; gnomAD exomes 0.00004; gnomAD 0.00005.
gnomAD v4.1: 59 of 1,614,060 alleles (0.0037%); highest among the groups gnomAD compares: Non-Finnish European, 0.0047%; no homozygotes.

Submission:

Labcorp Genetics (formerly Invitae), Labcorp
Classification: Likely pathogenic for Methylcobalamin deficiency type cblG. Last evaluated: 2023-12-19. Review status: criteria provided, single submitter. Criteria: Invitae Variant Classification Sherloc (09022015). Collection method: clinical testing. Allele origin: germline.
Comment: This sequence change affects a donor splice site in intron 1 of the MTR gene. It is expected to disrupt RNA splicing. Variants that disrupt the donor or acceptor splice site typically lead to a loss of protein function (PMID: 16199547), and loss-of-function variants in MTR are known to be pathogenic (PMID: 9683607, 12068375). This variant is present in population databases (rs776165231, gnomAD 0.007%). This variant has not been reported in the literature in individuals affected with MTR-related conditions. Algorithms developed to predict the effect of sequence changes on RNA splicing suggest that this variant may disrupt the consensus splice site. In summary, the currently available evidence indicates that the variant is pathogenic, but additional data are needed to prove that conclusively. Therefore, this variant has been classified as Likely Pathogenic.

Literature cited by the submitters: PubMed 16199547; PubMed 9683607; PubMed 12068375.

NM_000254.3(MTR):c.34+2T>C

Genes: MTR (5-methyltetrahydrofolate-homocysteine methyltransferase; plus strand), LOC129932886 (ATAC-STARR-seq lymphoblastoid active region 2827; plus strand). Cytogenetic location: 1q43.
Variant type: single nucleotide variant.
Coding change: c.34+2T>C on transcript NM_000254.3 (MANE Select); the canonical splice donor site of the intron after coding-DNA position 34, T replaced by C.
Molecular consequence: splice donor variant.
Genome position (GRCh38, 1-based): chr1:236,795,739, T>C. VCF-style: chr1-236795739-T-C. GRCh37 (hg19) VCF-style: chr1-236959039-T-C.
Other names: c.34+2T>C (NM_001410942.1, NM_001291939.1); c.-1075+2T>C (NM_001291940.2).
Identifiers: ClinVar variation 2900379 (VCV002900379.3), dbSNP rs776165231, ClinGen allele CA1473600.